The following is an entry in ClinVar:

NM_001371986.1(UNC80):c.7447G>A (p.Val2483Ile)

Gene: UNC80 (unc-80 homolog, NALCN channel complex subunit; plus strand). Cytogenetic location: 2q34.
Variant type: single nucleotide variant.
Coding change: c.7447G>A on transcript NM_001371986.1 (MANE Select); coding-DNA position 7447, G replaced by A.
Protein change: p.Val2483Ile; replaces valine 2483 with isoleucine.
Molecular consequence: missense variant.
Genome position (GRCh38, 1-based): chr2:209,954,260, G>A. VCF-style: chr2-209954260-G-A. GRCh37 (hg19) VCF-style: chr2-210818984-G-A.
Other names: c.7249G>A, p.Val2417Ile (NM_032504.2); c.7234G>A, p.Val2412Ile (NM_182587.4); short protein forms V2412I, V2483I, V2417I.
Identifiers: ClinVar variation 2045447 (VCV002045447.2), dbSNP rs1407579543, ClinGen allele CA350775856.

ClinVar aggregate classification (germline): Uncertain significance (1 of 4 stars; one submission).

Allele frequency attached by ClinVar (database versions not stated): gnomAD exomes below 0.00001.
gnomAD v4.1: 1 of 1,520,038 alleles (0.000066%); highest among the groups gnomAD compares: Middle Eastern, 0.018%; no homozygotes.

Submission:

Labcorp Genetics (formerly Invitae), Labcorp
Classification: Uncertain significance. Last evaluated: 2022-07-06. Review status: criteria provided, single submitter. Criteria: Invitae Variant Classification Sherloc (09022015). Collection method: clinical testing. Allele origin: germline.
Comment: In summary, the available evidence is currently insufficient to determine the role of this variant in disease. Therefore, it has been classified as a Variant of Uncertain Significance. Algorithms developed to predict the effect of missense changes on protein structure and function are either unavailable or do not agree on the potential impact of this missense change (SIFT: "Not Available"; PolyPhen-2: "Benign"; Align-GVGD: "Not Available"). This variant has not been reported in the literature in individuals affected with UNC80-related conditions. This variant is not present in population databases (gnomAD no frequency). This sequence change replaces valine, which is neutral and non-polar, with isoleucine, which is neutral and non-polar, at codon 2417 of the UNC80 protein (p.Val2417Ile).